The following is an entry in ClinVar:

NM_001009944.3(PKD1):c.11240del (p.Pro3747fs)

Genes: PKD1 (polycystin 1, transient receptor potential channel interacting; minus strand), PKD1-AS1 (PKD1 antisense RNA 1; plus strand). Cytogenetic location: 16p13.3.
Variant type: Deletion.
Coding change: c.11240del on transcript NM_001009944.3 (MANE Select); coding-DNA position 11240, one base deleted (C; older notation c.11240delC).
Protein change: p.Pro3747fs; shifts the reading frame from proline 3747.
Molecular consequence: frameshift variant.
Genome position (GRCh38, 1-based): chr16:2,092,509, G deleted on the plus strand (C on the coding strand, the reverse complement: PKD1 is on the minus strand); the first of 5 consecutive G bases (chr16:2,092,509-2,092,513); deleting any one gives the same sequence. VCF-style (leftmost placement, unchanged base first): chr16-2092508-TG-T. GRCh37 (hg19) VCF-style: chr16-2142509-TG-T.
Other names: c.11237del, p.Pro3746fs (NM_000296.4); c.11236delC, p.Pro3747Hisfs (NM_001009944.2); short protein forms P3746fs, P3747fs.
Identifiers: ClinVar variation 3340605 (VCV003340605.1).

ClinVar aggregate classification (germline): Pathogenic (1 of 4 stars; one submission).

Submission:

GeneDx
Classification: Pathogenic. Last evaluated: 2023-12-19. Review status: criteria provided, single submitter. Criteria: GeneDx Variant Classification Process June 2021. Collection method: clinical testing. Allele origin: germline. Affected: yes.
Comment: Frameshift variant predicted to result in protein truncation or nonsense mediated decay in a gene for which loss of function is a known mechanism of disease; Not observed at significant frequency in large population cohorts (gnomAD); This variant is associated with the following publications: (PMID: 30333007)